The following is an entry in ClinVar:

ClinVar aggregate classification (germline): Pathogenic (1 of 4 stars; one submission).

Conditions:
Kabuki syndrome. Also called: NIIKAWA-KUROKI SYNDROME; Kabuki make-up syndrome. Identifiers: Orphanet 2322, MedGen C0796004, MONDO:0016512.

Submission:

Labcorp Genetics (formerly Invitae), Labcorp
Classification: Pathogenic for Kabuki syndrome. Last evaluated: 2017-06-12. Review status: criteria provided, single submitter. Criteria: Invitae Variant Classification Sherloc (09022015). Collection method: clinical testing. Allele origin: germline.
Comment: This variant is not present in population databases (ExAC no frequency). This sequence change creates a premature translational stop signal (p.Gln1402*) in the KMT2D gene. It is expected to result in an absent or disrupted protein product. This variant has not been reported in the literature in individuals with a KMT2D-related disease. Loss-of-function variants in KMT2D are known to be pathogenic (PMID: 22126750). For these reasons, this variant has been classified as Pathogenic.

Literature cited by the submitters: PubMed 22126750.

NM_003482.4(KMT2D):c.4204C>T (p.Gln1402Ter)

Gene: KMT2D (lysine methyltransferase 2D; minus strand). Cytogenetic location: 12q13.12.
Variant type: single nucleotide variant.
Coding change: c.4204C>T on transcript NM_003482.4 (MANE Select); coding-DNA position 4204, C replaced by T.
Protein change: p.Gln1402Ter; replaces glutamine 1402 with a stop codon.
Molecular consequence: nonsense.
Genome position (GRCh38, 1-based): chr12:49,047,997, G>A on the plus strand (C>T on the coding strand, the complement: KMT2D is on the minus strand). VCF-style: chr12-49047997-G-A. GRCh37 (hg19) VCF-style: chr12-49441780-G-A.
Other names: short protein forms Q1402*.
Identifiers: ClinVar variation 463015 (VCV000463015.6), dbSNP rs1555195442, ClinGen allele CA384649283.